The following is an entry in ClinVar:

NM_020297.4(ABCC9):c.2607G>A (p.Val869=)

Gene: ABCC9 (ATP binding cassette subfamily C member 9; minus strand). Cytogenetic location: 12p12.1.
Variant type: single nucleotide variant.
Coding change: c.2607G>A on transcript NM_020297.4 (MANE Select); coding-DNA position 2607, G replaced by A.
Protein change: p.Val869=; no amino-acid change (valine 869 retained).
Molecular consequence: synonymous variant.
Genome position (GRCh38, 1-based): chr12:21,852,404, C>T on the plus strand (G>A on the coding strand, the complement: ABCC9 is on the minus strand). VCF-style: chr12-21852404-C-T. GRCh37 (hg19) VCF-style: chr12-22005338-C-T.
Other names: c.2607G>A, p.Val869= (NM_001377273.1, NM_005691.4); c.1740G>A, p.Val580= (NM_001377274.1).
Identifiers: ClinVar variation 391859 (VCV000391859.1), dbSNP rs762524104, ClinGen allele CA6481331.
Genomic context (GRCh38, chr12:21,852,404, plus strand): 5'-CAAAATTCTCTTCTAAACTCTTACCCAGTCAGCATGCGTCAGATACTGTAATTTGTGAGT[C>T]ACAAGAACGAGTGTCCTTTTGTCATCTTGCAGGAATTTCAAAATCCCCTCCTGCATTAAA-3'
Protein context (NP_064693.2, residues 859-879): LQDDKRTLVL[Val869=]THKLQYLTHA

ClinVar aggregate classification (germline): Likely benign (1 of 4 stars; one submission).

Allele frequency attached by ClinVar (database versions not stated): TOPMed below 0.00001; gnomAD exomes 0.00002; ExAC 0.00004.
gnomAD v4.1: 9 of 1,613,948 alleles (0.00056%); highest among the groups gnomAD compares: Non-Finnish European, 0.00076%; no homozygotes.

Submission:

GeneDx
Classification: Likely benign. Last evaluated: 2016-12-20. Review status: criteria provided, single submitter. Criteria: GeneDx Variant Classification (06012015). Collection method: clinical testing. Allele origin: germline. Affected: yes.
Comment: This variant is considered likely benign or benign based on one or more of the following criteria: it is a conservative change, it occurs at a poorly conserved position in the protein, it is predicted to be benign by multiple in silico algorithms, and/or has population frequency not consistent with disease.